The following is an entry in ClinVar:

ClinVar aggregate classification (germline): Uncertain significance. Review status: criteria provided, multiple submitters, no conflicts (2 of 4 stars). 2 submissions from 2 submitters: Uncertain significance (2). Last evaluated 2025-10-21.

Conditions:
Inborn genetic diseases. Identifiers: MedGen C0950123, MeSH D030342.

Allele frequency attached by ClinVar (database versions not stated): ExAC 0.00001; gnomAD 0.00001; TOPMed 0.00001; gnomAD exomes 0.00002.

Submissions (2):

Ambry Genetics
Classification: Uncertain significance for Inborn genetic diseases. Last evaluated: 2025-10-21. Review status: criteria provided, single submitter. Criteria: Ambry Variant Classification Scheme 2023. Collection method: clinical testing. Allele origin: germline.

Labcorp Genetics (formerly Invitae), Labcorp
Classification: Uncertain significance. Last evaluated: 2024-03-16. Review status: criteria provided, single submitter. Criteria: Invitae Variant Classification Sherloc (09022015). Collection method: clinical testing. Allele origin: germline.
Comment: This sequence change replaces arginine, which is basic and polar, with glutamine, which is neutral and polar, at codon 541 of the SH3PXD2B protein (p.Arg541Gln). This variant is present in population databases (rs775382985, gnomAD 0.003%). This variant has not been reported in the literature in individuals affected with SH3PXD2B-related conditions. ClinVar contains an entry for this variant (Variation ID: 2150687). An algorithm developed to predict the effect of missense changes on protein structure and function (PolyPhen-2) suggests that this variant is likely to be tolerated. In summary, the available evidence is currently insufficient to determine the role of this variant in disease. Therefore, it has been classified as a Variant of Uncertain Significance.

NM_001017995.3(SH3PXD2B):c.1622G>A (p.Arg541Gln)

Gene: SH3PXD2B (SH3 and PX domains 2B; minus strand). Cytogenetic location: 5q35.1.
Variant type: single nucleotide variant.
Coding change: c.1622G>A on transcript NM_001017995.3 (MANE Select); coding-DNA position 1622, G replaced by A.
Protein change: p.Arg541Gln; replaces arginine 541 with glutamine.
Molecular consequence: missense variant. On other transcripts: intron variant (1).
Genome position (GRCh38, 1-based): chr5:172,339,483, C>T on the plus strand (G>A on the coding strand, the complement: SH3PXD2B is on the minus strand). VCF-style: chr5-172339483-C-T. GRCh37 (hg19) VCF-style: chr5-171766487-C-T.
Other names: c.1622G>A (NM_001017995.2); c.1188+6653G>A (NM_001308175.2); short protein forms R541Q.
Identifiers: ClinVar variation 2150687 (VCV002150687.5), dbSNP rs775382985, ClinGen allele CA3561141.